The following is an entry in ClinVar:

NM_177400.3(NKX6-2):c.404C>T (p.Pro135Leu)

Gene: NKX6-2 (NK6 homeobox 2; minus strand). Cytogenetic location: 10q26.3.
Variant type: single nucleotide variant.
Coding change: c.404C>T on transcript NM_177400.3 (MANE Select); coding-DNA position 404, C replaced by T.
Protein change: p.Pro135Leu; replaces proline 135 with leucine.
Molecular consequence: missense variant.
Genome position (GRCh38, 1-based): chr10:132,785,545, G>A on the plus strand (C>T on the coding strand, the complement: NKX6-2 is on the minus strand). VCF-style: chr10-132785545-G-A. GRCh37 (hg19) VCF-style: chr10-134599049-G-A.
Other names: short protein forms P135L.
Identifiers: ClinVar variation 2106871 (VCV002106871.4), dbSNP rs1293090332, ClinGen allele CA378770561.

ClinVar aggregate classification (germline): Uncertain significance (1 of 4 stars; one submission).

gnomAD v4.1: 3 of 1,344,414 alleles (0.00022%); highest among the groups gnomAD compares: Non-Finnish European, 0.00028%; no homozygotes.

Submission:

Labcorp Genetics (formerly Invitae), Labcorp
Classification: Uncertain significance. Last evaluated: 2022-03-07. Review status: criteria provided, single submitter. Criteria: Invitae Variant Classification Sherloc (09022015). Collection method: clinical testing. Allele origin: germline.
Comment: Algorithms developed to predict the effect of missense changes on protein structure and function are either unavailable or do not agree on the potential impact of this missense change (SIFT: "Deleterious"; PolyPhen-2: "Benign"; Align-GVGD: "Class C0"). This sequence change replaces proline, which is neutral and non-polar, with leucine, which is neutral and non-polar, at codon 135 of the NKX6-2 protein (p.Pro135Leu). This variant is not present in population databases (gnomAD no frequency). This variant has not been reported in the literature in individuals affected with NKX6-2-related conditions. In summary, the available evidence is currently insufficient to determine the role of this variant in disease. Therefore, it has been classified as a Variant of Uncertain Significance.